The following is an entry in ClinVar:

ClinVar aggregate classification (germline): Uncertain significance (1 of 4 stars; one submission).

Conditions:
Familial acute necrotizing encephalopathy (IIAE3). Also called: ENCEPHALOPATHY, ACUTE, INFECTION-INDUCED, SUSCEPTIBILITY TO, 3; Susceptibility to Acute Necrotizing Encephalopathy 1. Identifiers: Orphanet 88619, MedGen C2675556, MONDO:0011953, OMIM 608033.

Allele frequency attached by ClinVar (database versions not stated): TOPMed below 0.00001; gnomAD 0.00001.
gnomAD v4.1: 1 of 1,611,610 alleles (0.000062%); highest among the groups gnomAD compares: Admixed American, 0.0017%; no homozygotes.

Submission:

Labcorp Genetics (formerly Invitae), Labcorp
Classification: Uncertain significance for Familial acute necrotizing encephalopathy. Last evaluated: 2022-07-05. Review status: criteria provided, single submitter. Criteria: Invitae Variant Classification Sherloc (09022015). Collection method: clinical testing. Allele origin: germline.
Comment: This variant is not present in population databases (gnomAD no frequency). Algorithms developed to predict the effect of missense changes on protein structure and function (SIFT, PolyPhen-2, Align-GVGD) all suggest that this variant is likely to be disruptive. Algorithms developed to predict the effect of sequence changes on RNA splicing suggest that this variant may create or strengthen a splice site. In summary, the available evidence is currently insufficient to determine the role of this variant in disease. Therefore, it has been classified as a Variant of Uncertain Significance. This variant has not been reported in the literature in individuals affected with RANBP2-related conditions. ClinVar contains an entry for this variant (Variation ID: 1003703). This sequence change replaces alanine, which is neutral and non-polar, with valine, which is neutral and non-polar, at codon 2104 of the RANBP2 protein (p.Ala2104Val).

NM_006267.5(RANBP2):c.6311C>T (p.Ala2104Val)

Gene: RANBP2 (RAN binding protein 2; plus strand). Cytogenetic location: 2q13.
Variant type: single nucleotide variant.
Coding change: c.6311C>T on transcript NM_006267.5 (MANE Select); coding-DNA position 6311, C replaced by T.
Protein change: p.Ala2104Val; replaces alanine 2104 with valine.
Molecular consequence: missense variant.
Genome position (GRCh38, 1-based): chr2:108,766,850, C>T. VCF-style: chr2-108766850-C-T. GRCh37 (hg19) VCF-style: chr2-109383306-C-T.
Other names: short protein forms A2104V.
Identifiers: ClinVar variation 1003703 (VCV001003703.11), dbSNP rs1677155123, ClinGen allele CA348075184.
Genomic context (GRCh38, chr2:108,766,850, plus strand): 5'-GTGCTAATCATTGGATAACGACTACGATGAACCTGAAGCCTCTCTCTGGATCAGATAGAG[C>T]ATGGATGTGGTTAGCCAGTGATTTCTCTGATGGTGATGCCAAACTAGAGCAGTTGGCAGC-3'
Protein context (NP_006258.3, residues 2094-2114): NLKPLSGSDR[Ala2104Val]WMWLASDFSD